The following is an entry in ClinVar:

ClinVar aggregate classification (germline): Uncertain significance. Review status: criteria provided, multiple submitters, no conflicts (2 of 4 stars). 6 submissions from 6 submitters: Uncertain significance (6). Last evaluated 2025-05-07.

Conditions:
Type 1 diabetes mellitus 20 (T1D20). Also called: Diabetes mellitus, insulin-dependent, 20. Identifiers: MedGen C2675866, MONDO:0012919, OMIM 612520.
Hepatic adenomas, familial. Also called: HEPATIC ADENOMA, SOMATIC; LIVER CELL ADENOMAS, FAMILIAL. Identifiers: MedGen C1840646, MONDO:0007718, OMIM 142330.
Diabetes mellitus type 1 (T1D). Also called: Type I diabetes mellitus; Diabetes Mellitus, Juvenile-Onset. Identifiers: MedGen C0011854, MONDO:0005147, OMIM 222100, HP:0100651.
Maturity-onset diabetes of the young type 3. Also called: MODY type 3; MODY, type III. Identifiers: Orphanet 552, MedGen C1838100, MeSH C563933, MONDO:0010894, OMIM 600496. Disease mechanism: loss of function.
Type 2 diabetes mellitus. Also called: Type II diabetes mellitus. Identifiers: MedGen C0011860, MeSH D003924, MONDO:0005148, OMIM 125853, HP:0005978.
Nonpapillary renal cell carcinoma. Identifiers: Orphanet 422526, MedGen CN074294, MONDO:0007763, OMIM 144700.

Allele frequency attached by ClinVar (database versions not stated): gnomAD 0.00003; TOPMed 0.00005; ESP Exome Variant Server 0.00008.
gnomAD v4.1: 37 of 1,608,490 alleles (0.0023%); highest among the groups gnomAD compares: Non-Finnish European, 0.0031%; no homozygotes.

Submissions (6):

Institute of Immunology and Genetics Kaiserslautern
Classification: Uncertain significance for Maturity-onset diabetes of the young type 3. Last evaluated: 2025-05-07. Review status: criteria provided, single submitter. Criteria: ACMG Guidelines, 2015. Collection method: clinical testing. Allele origin: germline. Affected: yes.
Comment: ACMG Criteria: PM2_P; Variant was found in heterozygous state.

GeneDx
Classification: Uncertain significance. Last evaluated: 2025-03-12. Review status: criteria provided, single submitter. Criteria: GeneDx Variant Classification Process June 2021. Collection method: clinical testing. Allele origin: germline. Affected: yes.
Comment: Identified in a patient with suspected HNF1A-related MODY in published literature (PMID: 32910913); In silico analysis suggests that this missense variant does not alter protein structure/function; This variant is associated with the following publications: (PMID: 32910913)

Labcorp Genetics (formerly Invitae), Labcorp
Classification: Uncertain significance. Last evaluated: 2024-10-23. Review status: criteria provided, single submitter. Criteria: Invitae Variant Classification Sherloc (09022015). Collection method: clinical testing. Allele origin: germline.
Comment: This sequence change replaces threonine, which is neutral and polar, with lysine, which is basic and polar, at codon 441 of the HNF1A protein (p.Thr441Lys). This variant is present in population databases (rs371544082, gnomAD 0.006%). This missense change has been observed in individual(s) with type 2 diabetes (PMID: 32910913). ClinVar contains an entry for this variant (Variation ID: 805629). Invitae Evidence Modeling of protein sequence and biophysical properties (such as structural, functional, and spatial information, amino acid conservation, physicochemical variation, residue mobility, and thermodynamic stability) indicates that this missense variant is not expected to disrupt HNF1A protein function with a negative predictive value of 80%. Experimental studies have shown that this missense change affects HNF1A function (PMID: 32910913). In summary, the available evidence is currently insufficient to determine the role of this variant in disease. Therefore, it has been classified as a Variant of Uncertain Significance.

Fulgent Genetics
Classification: Uncertain significance for Type 2 diabetes mellitus; Hepatic adenomas, familial; Nonpapillary renal cell carcinoma; Diabetes mellitus type 1; Maturity-onset diabetes of the young type 3; Type 1 diabetes mellitus 20. Last evaluated: 2024-01-17. Review status: criteria provided, single submitter. Criteria: ACMG Guidelines, 2015. Collection method: clinical testing. Allele origin: germline.

Women's Health and Genetics/Laboratory Corporation of America, LabCorp
Classification: Uncertain significance. Last evaluated: 2023-12-08. Review status: criteria provided, single submitter. Criteria: LabCorp Variant Classification Summary - May 2015. Collection method: clinical testing. Allele origin: germline.
Comment: Variant summary: HNF1A c.1322C>A (p.Thr441Lys) results in a non-conservative amino acid change located in the hepatocyte nuclear factor 1, beta isoform, C-terminal domain (IPR006897) of the encoded protein sequence. Three of five in-silico tools predict a damaging effect of the variant on protein function. The variant allele was found at a frequency of 2.3e-05 in 1608490 control chromosomes, exclusively within the Non-Finnish European subpopulation in the gnomAD database at a frequency of 3.1e-05. The observed variant frequency within Non-Finnish European control individuals in the gnomAD database is approximately equal to the estimated maximal expected allele frequency for a pathogenic variant in HNF1A causing Maturity Onset Diabetes Of The Young 3 phenotype (2.5e-05), suggesting that the variant may be a benign polymorphism found primarily in populations of Non-Finnish European origin. To our knowledge, no occurrence of c.1322C>A in individuals affected with Maturity Onset Diabetes Of The Young 3 has been reported. At least one publication reports experimental evidence evaluating an impact on protein function (Althari_2020). These results showed that the variant had reduced nuclear localization, approximately 40% compared to WT, but demonstrated no damaging impact on DNA binding activity. The following publication has been ascertained in the context of this evaluation (PMID: 32910913). Two submitters have cited clinical-significance assessments for this variant to ClinVar after 2014. Both submitters classified the variant as uncertain significance. Based on the evidence outlined above, the variant was classified as VUS-possibly benign.

Athena Diagnostics
Classification: Uncertain significance. Last evaluated: 2019-08-07. Review status: criteria provided, single submitter. Criteria: Athena Diagnostics Criteria. Collection method: clinical testing. Allele origin: germline.

Literature cited by the submitters: PubMed 32910913 (cited by Labcorp Genetics (formerly Invitae), Labcorp and Women's Health and Genetics/Laboratory Corporation of America, LabCorp); PubMed 28410371 (cited by Athena Diagnostics).

NM_000545.8(HNF1A):c.1322C>A (p.Thr441Lys)

Gene: HNF1A (HNF1 homeobox A; plus strand). Cytogenetic location: 12q24.31.
Variant type: single nucleotide variant.
Coding change: c.1322C>A on transcript NM_000545.8 (MANE Select); coding-DNA position 1322, C replaced by A.
Protein change: p.Thr441Lys; replaces threonine 441 with lysine.
Molecular consequence: missense variant.
Genome position (GRCh38, 1-based): chr12:120,997,486, C>A. VCF-style: chr12-120997486-C-A. GRCh37 (hg19) VCF-style: chr12-121435289-C-A.
Other names: c.1322C>A, p.Thr441Lys (NM_001306179.2); short protein forms T441K.
Identifiers: ClinVar variation 805629 (VCV000805629.8), dbSNP rs371544082, ClinGen allele CA6832023.